The following is an entry in ClinVar:

NM_000834.5(GRIN2B):c.2470A>G (p.Met824Val)

Gene: GRIN2B (glutamate ionotropic receptor NMDA type subunit 2B; minus strand). Cytogenetic location: 12p13.1.
Variant type: single nucleotide variant.
Coding change: c.2470A>G on transcript NM_000834.5 (MANE Select); coding-DNA position 2470, A replaced by G.
Protein change: p.Met824Val; replaces methionine 824 with valine.
Molecular consequence: missense variant.
Genome position (GRCh38, 1-based): chr12:13,567,153, T>C on the plus strand (A>G on the coding strand, the complement: GRIN2B is on the minus strand). VCF-style: chr12-13567153-T-C. GRCh37 (hg19) VCF-style: chr12-13720087-T-C.
Other names: c.2470A>G, p.Met824Val (NM_001413992.1); short protein forms M824V.
Identifiers: ClinVar variation 2576616 (VCV002576616.3), dbSNP rs2497476034, ClinGen allele CA383996351.

ClinVar aggregate classification (germline): Likely pathogenic. Review status: criteria provided, multiple submitters, no conflicts (2 of 4 stars). 2 submissions from 2 submitters: Likely pathogenic (2). Last evaluated 2024-08-29.

Conditions:
GRIN2B-related disorder. Also called: GRIN2B-related condition.
Developmental and epileptic encephalopathy, 27 (DEE27). Also called: Epileptic encephalopathy, early infantile, 27; GRIN2B-Related Neurodevelopmental Disorder. Identifiers: Orphanet 3451, MedGen C4015316, MONDO:0014505, OMIM 616139.

Submissions (2):

Blueprint Genetics
Classification: Likely pathogenic for GRIN2B-related disorders. Last evaluated: 2024-08-29. Review status: criteria provided, single submitter. Criteria: ACMG Guidelines, 2015. Collection method: clinical testing. Allele origin: germline. Affected: yes. Observed: 1 variant allele.

Institute of Human Genetics, University of Leipzig Medical Center
Classification: Likely pathogenic for Developmental and epileptic encephalopathy, 27. Last evaluated: 2023-07-10. Review status: criteria provided, single submitter. Criteria: ACMG Guidelines, 2015. Collection method: clinical testing. Allele origin: de novo. Inheritance: Autosomal dominant inheritance. Affected: yes.
Comment: Criteria applied: PS2,PM1,PM5,PM2_SUP